The following is an entry in ClinVar:

NM_002332.3(LRP1):c.2718G>A (p.Arg906=)

Gene: LRP1 (LDL receptor related protein 1; plus strand). Cytogenetic location: 12q13.3.
Variant type: single nucleotide variant.
Coding change: c.2718G>A on transcript NM_002332.3 (MANE Select); coding-DNA position 2718, G replaced by A.
Protein change: p.Arg906=; no amino-acid change (arginine 906 retained).
Molecular consequence: synonymous variant.
Genome position (GRCh38, 1-based): chr12:57,166,130, G>A. VCF-style: chr12-57166130-G-A. GRCh37 (hg19) VCF-style: chr12-57559913-G-A.
Identifiers: ClinVar variation 2643114 (VCV002643114.24), dbSNP rs149644862, ClinGen allele CA6642860.
Genomic context (GRCh38, chr12:57,166,130, plus strand): 5'-CATTCCCTCCCCAGATCAGCACACCTGCCCCTCGGACCGATTCAAGTGCGAGAACAACCG[G>A]TGCATCCCCAACCGCTGGCTCTGCGACGGGGACAATGACTGTGGGAACAGTGAAGATGAG-3'
Protein context (NP_002323.2, residues 896-916): PSDRFKCENN[Arg906=]CIPNRWLCDG

ClinVar aggregate classification (germline): Likely benign (1 of 4 stars; one submission).

Allele frequency attached by ClinVar (database versions not stated): gnomAD 0.00009; gnomAD exomes 0.00009; TOPMed 0.00013; ExAC 0.00016; ESP Exome Variant Server 0.00031.
gnomAD v4.1: 156 of 1,614,090 alleles (0.0097%); highest among the groups gnomAD compares: Non-Finnish European, 0.0017%; no homozygotes.

Submission:

CeGaT Center for Human Genetics Tuebingen
Classification: Likely benign. Last evaluated: 2023-03-01. Review status: criteria provided, single submitter. Criteria: CeGaT Center For Human Genetics Tuebingen Variant Classification Criteria Version 2. Collection method: clinical testing. Allele origin: germline. Affected: yes. Observed: 1 variant allele.
Comment: LRP1: BP4, BP7